The following is an entry in ClinVar:

ClinVar aggregate classification (germline): Benign/Likely benign. Review status: criteria provided, multiple submitters, no conflicts (2 of 4 stars). 12 submissions from 8 submitters: Benign (9); Likely benign (3). Last evaluated 2025-11-11.

Conditions:
Developmental and epileptic encephalopathy 98. Identifiers: MedGen C5562017, MONDO:0030472, OMIM 619605.
Fetal akinesia, respiratory insufficiency, microcephaly, polymicrogyria, and dysmorphic facies. Identifiers: MedGen C5562015, MONDO:0859204, OMIM 619602.
Inborn genetic diseases. Identifiers: MedGen C0950123, MeSH D030342.
Familial hemiplegic migraine. Identifiers: MedGen C0338484, MONDO:0000700.
Migraine, familial hemiplegic, 2. Identifiers: Orphanet 569, MedGen C1865322, MONDO:0011232, OMIM 602481.
Alternating hemiplegia of childhood 1 (AHC1). Identifiers: Orphanet 2131, MedGen C3549447, MONDO:0007087, OMIM 104290.

Allele frequency attached by ClinVar (database versions not stated): gnomAD 0.00001 and 0.00025; TOPMed 0.00008; gnomAD exomes 0.00038 and 0.00073; ExAC 0.00095; 1000 Genomes Project 30x 0.00203; 1000 Genomes Project 0.00240.
gnomAD v4.1: 593 of 1,614,160 alleles (0.037%); highest among the groups gnomAD compares: South Asian, 0.6%; 5 homozygotes.

Submissions (12):

Labcorp Genetics (formerly Invitae), Labcorp
Classification: Benign for Familial hemiplegic migraine. Last evaluated: 2025-11-11. Review status: criteria provided, single submitter. Criteria: Invitae Variant Classification Sherloc (09022015). Collection method: clinical testing. Allele origin: germline.

CeGaT Center for Human Genetics Tuebingen
Classification: Likely benign. Last evaluated: 2025-07-01. Review status: criteria provided, single submitter. Criteria: CeGaT Center For Human Genetics Tuebingen Variant Classification Criteria Version 2. Collection method: clinical testing. Allele origin: germline. Affected: yes. Observed: 1 variant allele.
Comment: ATP1A2: BP4, BP7

Mayo Clinic Laboratories, Mayo Clinic
Classification: Benign. Last evaluated: 2025-01-02. Review status: criteria provided, single submitter. Criteria: ACMG Guidelines, 2015. Collection method: clinical testing. Allele origin: germline. Observed: 1 variant allele.
Comment: BA1, BP4, BP7

Blueprint Genetics
Classification: Likely benign. Last evaluated: 2024-09-24. Review status: criteria provided, single submitter. Criteria: ACMG Guidelines, 2015. Collection method: clinical testing. Allele origin: germline.

Genome-Nilou Lab
Classification: Benign for Alternating hemiplegia of childhood 1. Last evaluated: 2021-12-05. Review status: criteria provided, single submitter. Criteria: ACMG Guidelines, 2015. Collection method: clinical testing. Allele origin: germline. Affected: no.

Genome-Nilou Lab
Classification: Benign for Developmental and epileptic encephalopathy 98. Last evaluated: 2021-12-05. Review status: criteria provided, single submitter. Criteria: ACMG Guidelines, 2015. Collection method: clinical testing. Allele origin: germline. Affected: no.

Genome-Nilou Lab
Classification: Benign for Fetal akinesia, respiratory insufficiency, microcephaly, polymicrogyria, and dysmorphic facies. Last evaluated: 2021-12-05. Review status: criteria provided, single submitter. Criteria: ACMG Guidelines, 2015. Collection method: clinical testing. Allele origin: germline. Affected: no.

Genome-Nilou Lab
Classification: Benign for Migraine, familial hemiplegic, 2. Last evaluated: 2021-12-05. Review status: criteria provided, single submitter. Criteria: ACMG Guidelines, 2015. Collection method: clinical testing. Allele origin: germline. Affected: no.

Ambry Genetics
Classification: Likely benign for Inborn genetic diseases. Last evaluated: 2018-10-20. Review status: criteria provided, single submitter. Criteria: Ambry Variant Classification Scheme 2023. Collection method: clinical testing. Allele origin: germline.

Illumina Laboratory Services, Illumina
Classification: Benign for Alternating hemiplegia of childhood 1. Last evaluated: 2018-01-13. Review status: criteria provided, single submitter. Criteria: ICSL Variant Classification Criteria 13 December 2019. Collection method: clinical testing. Allele origin: germline.
Comment: This variant was observed in the ICSL laboratory as part of a predisposition screen in an ostensibly healthy population. It had not been previously curated by ICSL or reported in the Human Gene Mutation Database (HGMD: prior to June 1st, 2018), and was therefore a candidate for classification through an automated scoring system. Utilizing variant allele frequency, disease prevalence and penetrance estimates, and inheritance mode, an automated score was calculated to assess if this variant is too frequent to cause the disease. Based on the score and internal cut-off values, a variant classified as benign is not then subjected to further curation. The score for this variant resulted in a classification of benign for this disease.

Illumina Laboratory Services, Illumina
Classification: Benign for Migraine, familial hemiplegic, 2. Last evaluated: 2018-01-13. Review status: criteria provided, single submitter. Criteria: ICSL Variant Classification Criteria 13 December 2019. Collection method: clinical testing. Allele origin: germline.
Comment: the same text as in the submission from Illumina Laboratory Services, Illumina above.

GeneDx
Classification: Benign. Last evaluated: 2014-06-25. Review status: criteria provided, single submitter. Criteria: GeneDx Variant Classification (06012015). Collection method: clinical testing. Allele origin: germline. Affected: yes.
Comment: This variant is considered likely benign or benign based on one or more of the following criteria: it is a conservative change, it occurs at a poorly conserved position in the protein, it is predicted to be benign by multiple in silico algorithms, and/or has population frequency not consistent with disease.

NM_000702.4(ATP1A2):c.2877G>A (p.Thr959=)

Gene: ATP1A2 (ATPase Na+/K+ transporting subunit alpha 2; plus strand). Cytogenetic location: 1q23.2.
Variant type: single nucleotide variant.
Coding change: c.2877G>A on transcript NM_000702.4 (MANE Select); coding-DNA position 2877, G replaced by A.
Protein change: p.Thr959=; no amino-acid change (threonine 959 retained).
Molecular consequence: synonymous variant.
Genome position (GRCh38, 1-based): chr1:160,139,676, G>A. VCF-style: chr1-160139676-G-A. GRCh37 (hg19) VCF-style: chr1-160109466-G-A.
Other names: p.T959T:ACG>ACA; p.Thr959=.
Identifiers: ClinVar variation 204876 (VCV000204876.28), dbSNP rs200127278, ClinGen allele CA313255.